The following is an entry in ClinVar:

NM_004646.4(NPHS1):c.103del (p.Trp35fs)

Genes: NPHS1 (NPHS1 adhesion molecule, nephrin; minus strand), KIRREL2 (kirre like nephrin family adhesion molecule 2; plus strand). Cytogenetic location: 19q13.12.
Variant type: Deletion.
Coding change: c.103del on transcript NM_004646.4 (MANE Select); coding-DNA position 103, one base deleted (T; older notation c.103delT).
Protein change: p.Trp35fs; shifts the reading frame from tryptophan 35.
Molecular consequence: frameshift variant.
Genome position (GRCh38, 1-based): chr19:35,851,628, A deleted on the plus strand (T on the coding strand, the reverse complement: NPHS1 is on the minus strand). VCF-style (leftmost placement, unchanged base first): chr19-35851627-CA-C. GRCh37 (hg19) VCF-style: chr19-36342529-CA-C.
Other names: short protein forms W35fs.
Identifiers: ClinVar variation 2875906 (VCV002875906.4), dbSNP rs2513786291, ClinGen allele CA2739276696.

ClinVar aggregate classification (germline): Pathogenic/Likely pathogenic. Review status: criteria provided, multiple submitters, no conflicts (2 of 4 stars). 2 submissions from 2 submitters: Pathogenic (1); Likely pathogenic (1). Last evaluated 2024-01-17.

Conditions:
Finnish congenital nephrotic syndrome (NPHS1). Also called: NEPHROTIC SYNDROME, TYPE 1. Identifiers: Orphanet 839, MedGen C0403399, MONDO:0009732, OMIM 256300.

Submissions (2):

Baylor Genetics
Classification: Likely pathogenic for Finnish congenital nephrotic syndrome. Last evaluated: 2024-01-17. Review status: criteria provided, single submitter. Criteria: ACMG Guidelines, 2015. Collection method: clinical testing. Allele origin: unknown.

Labcorp Genetics (formerly Invitae), Labcorp
Classification: Pathogenic. Last evaluated: 2023-10-14. Review status: criteria provided, single submitter. Criteria: Invitae Variant Classification Sherloc (09022015). Collection method: clinical testing. Allele origin: germline.
Comment: This sequence change creates a premature translational stop signal (p.Trp35Glyfs*7) in the NPHS1 gene. It is expected to result in an absent or disrupted protein product. Loss-of-function variants in NPHS1 are known to be pathogenic (PMID: 11317351, 11854170, 12039988). This variant is not present in population databases (gnomAD no frequency). This variant has not been reported in the literature in individuals affected with NPHS1-related conditions. For these reasons, this variant has been classified as Pathogenic.

Literature cited by the submitters: PubMed 11317351 (cited by Labcorp Genetics (formerly Invitae), Labcorp); PubMed 11854170 (cited by Labcorp Genetics (formerly Invitae), Labcorp); PubMed 12039988 (cited by Labcorp Genetics (formerly Invitae), Labcorp).